The following is an entry in ClinVar:

ClinVar aggregate classification (germline): Conflicting classifications of pathogenicity. Review status: criteria provided, conflicting classifications (1 of 4 stars). 10 submissions from 10 submitters: Pathogenic (3); Likely pathogenic (3); Uncertain significance (2). 2 of the submissions do not count toward it. Last evaluated 2026-09-10.

Conditions:
Polycystic kidney disease. Also called: Polycystic kidney dysplasia; Kidney, Polycystic. Identifiers: MedGen C0022680, MeSH D007690, MONDO:0020642, HP:0000113.
PKD1-related disorder. Also called: PKD1-related condition.
Polycystic kidney disease, adult type (PKD1). Also called: Polycystic Kidney, Autosomal Dominant; POLYCYSTIC KIDNEY DISEASE 1 WITH OR WITHOUT POLYCYSTIC LIVER DISEASE; Polycystic Kidney Disease 1, Autosomal Dominant; Polycystic kidney disease 1; Polycystic kidney disease 1, severe; POLYCYSTIC KIDNEY DISEASE, ADULT, TYPE I. Identifiers: MedGen C3149841, MONDO:0008263, OMIM 173900.

Submissions (10):

GeneDx
Classification: Likely pathogenic. Last evaluated: 2026-09-10. Review status: criteria provided, single submitter. Criteria: GeneDx Variant Classification Process June 2021. Collection method: clinical testing. Allele origin: germline.
Comment: Observed in the homozygous state in a fetus with features of a ciliopathy in published literature; the heterozygous parents were found to have clinical features consistent with autosomal dominant polycystic kidney disease (PMID: 32055034); In-frame deletion of 1 amino acid in a non-repeat region; In silico analysis supports a deleterious effect on protein structure/function; Not observed at significant frequency in large population cohorts (gnomAD); This variant is associated with the following publications: (PMID: 34645488, 32055034, 22508176, 24611717, 39802589, 26823553, 39504961, 37644014)

Women's Health and Genetics/Laboratory Corporation of America, LabCorp
Classification: Pathogenic for Polycystic kidney disease, adult type. Last evaluated: 2026-05-05. Review status: criteria provided, single submitter. Criteria: LabCorp Variant Classification Summary - May 2015. Collection method: clinical testing. Allele origin: germline.
Comment: Variant summary: PKD1 c.4349_4351delACA (p.Asn1450del) results in an in-frame deletion that is predicted to remove one amino acid from the encoded protein. The variant was absent in 249718 control chromosomes (gnomAD). c.4349_4351delACA has been observed in multiple heterozygous individuals affected with autosomal dominant polycystic kidney disease and it has been found in the homozygous state in a severely affected fetus whose parents were also reported to have clinical features of polycystic kidney disease (e.g. Audrezet_2012, Heyer_2016, Kurashige_2014, Shamseldin_2020). These data indicate that the variant is very likely to be associated with disease. The following publications have been ascertained in the context of this evaluation (PMID: 22508176, 26823553, 24611717, 32055034, 34645488). ClinVar contains an entry for this variant (Variation ID: 917952). Based on the evidence outlined above, the variant was classified as pathogenic.

PreventionGenetics, part of Exact Sciences
Classification: Pathogenic for PKD1-related condition. Last evaluated: 2026-01-29. Review status: criteria provided, single submitter. Criteria: ACMG Guidelines, 2015. Collection method: clinical testing. Allele origin: germline.
Comment: The PKD1 c.4349_4351delACA variant is predicted to result in an in-frame deletion (p.Asn1450del). This variant has been reported in the heterozygous state in individuals with autosomal dominant polycystic kidney disease (ADPKD) (Supp. Table S5, Audrézet et al. 2012. PubMed ID: 22508176; Supplementary Table S1, Shamseldin et al. 2021. PubMed ID: 34645488). Of note, we have previously found this variant in the heterozygous state in three presumably unrelated patients tested for PKD at PreventionGenetics (internal data). In-frame small deletions in the PKD1 gene have been commonly found to be pathogenic for ADPKD. This variant has not been reported in a large population database (gnomAD), indicating this variant is rare. This variant is interpreted as pathogenic.

Victorian Clinical Genetics Services, Murdoch Childrens Research Institute
Classification: Pathogenic for Polycystic kidney disease, adult type. Last evaluated: 2025-06-19. Review status: criteria provided, single submitter. Criteria: ACMG Guidelines, 2015. Collection method: clinical testing. Allele origin: germline. Affected: yes.
Comment: This variant is classified as Pathogenic. Evidence in support of pathogenic classification: In-frame insertion/deletion in a non-repetitive region that has high conservation; Variant is present in gnomAD <0.001 for a dominant condition (v4: 1 heterozygote(s), 0 homozygote(s)); This variant has strong previous evidence of pathogenicity in unrelated individuals. This variant has been reported likely pathogenic and a VUS by clinical laboratories in ClinVar. It has also been identified in a heterozygous state in individuals with polycystic kidney disease, and in a homozygous state in a severely affected fetus (PMIDs: 32055034, 24611717, 22508176, 26823553, 39802589). Additional information: This variant is heterozygous; This gene is associated with autosomal dominant disease. Polycystic kidney disease 1 (MIM#173900) is predominantly caused by monoallelic variants, with rare reports of biallelic variants causing disease (OMIM); Segregation evidence for this variant is inconclusive. This variant was identified in a heterozygous state in parents who presented with adult type ADPKD, and in a homozygous state in the proband who presented prenatally with a more severe phenotype (PMID:32055034). However this evidence is not sufficient for pathogenic weighting; No published functional evidence has been identified for this variant; No comparable in-frame deletion variants have previous evidence for pathogenicity; Variant is located in the annotated PKD domain and this residue is a N-linked glycosylation site (DECIPHER); Loss of function is a known mechanism of disease in this gene and is associated with polycystic kidney disease 1 (MIM#173900); Inheritance information for this variant is not currently available in this individual.

Fulgent Genetics
Classification: Likely pathogenic for Polycystic kidney disease, adult type. Last evaluated: 2024-03-06. Review status: criteria provided, single submitter. Criteria: ACMG Guidelines, 2015. Collection method: clinical testing. Allele origin: germline.

Blueprint Genetics
Classification: Likely pathogenic for PKD1-related disorders. Last evaluated: 2023-07-26. Review status: criteria provided, single submitter. Criteria: ACMG Guidelines, 2015. Collection method: clinical testing. Allele origin: germline. Affected: yes. Observed: 1 variant allele.

Athena Diagnostics
Classification: Uncertain significance. Last evaluated: 2020-09-22. Review status: criteria provided, single submitter. Criteria: Athena Diagnostics criteria. Collection method: clinical testing. Allele origin: unknown.

Juno Genomics, Hangzhou Juno Genomics, Inc
Classification: Uncertain significance for Polycystic kidney disease, adult type. Review status: criteria provided, single submitter. Criteria: ACMG Guidelines, 2015. Collection method: clinical testing. Allele origin: germline. Affected: yes.
Comment: Absent from controls (or at extremely low frequency if recessive) in Genome Aggregation Database, Exome Sequencing Project, 1000 Genomes Project, or Exome Aggregation Consortium.;Protein length changes due to in-frame deletions/insertions in a non-repeat region or stop-loss variants.;The prevalence of the variant in affected individuals is significantly increased compared to the prevalence in controls.;Patient's phenotype or family history is highly specific for a disease with a single genetic etiology.

Department of Pathology and Laboratory Medicine, Sinai Health System
Classification: Uncertain significance for Polycystic Kidney disease. Review status: no assertion criteria provided. Collection method: clinical testing. Allele origin: unknown. Affected: yes. Study: The Canadian Open Genetics Repository (COGR). Not counted in ClinVar's aggregate classification.
Comment: The PKD1 p.Asn1450del variant was not identified in the literature nor was it identified in the dbSNP, ClinVar, LOVD 3.0, ADPKD Mutation Database, PKD1-LOVD, the Exome Aggregation Consortium (August 8th 2016) or the Genome Aggregation Database (Feb 27, 2017). This variant is an in-frame deletion resulting in the removal of an Asparagine (Asn) residue at codon 1450; the impact of this alteration on PKD1 protein function is not known. The same amino acid change caused by a different nucleotide change (PKD1, c.4347_4349del) was identified in the ADPKD Mutation Database, classified as â€šÃ„Ãºhighly likely pathogenic.â€šÃ„Ã¹ In summary, based on the above information, the clinical significance of this variant cannot be determined with certainty at this time. This variant is classified as a variant of uncertain significance.

Genomic Medicine Center of Excellence, King Faisal Specialist Hospital and Research Centre
Classification: Likely pathogenic for Polycystic kidney disease, adult type. Review status: no assertion criteria provided. Collection method: research. Allele origin: germline. Affected: yes. Not counted in ClinVar's aggregate classification.

Literature cited by the submitters: PubMed 34645488 (cited by Women's Health and Genetics/Laboratory Corporation of America, LabCorp); PubMed 24611717 (cited by Women's Health and Genetics/Laboratory Corporation of America, LabCorp and Victorian Clinical Genetics Services, Murdoch Childrens Research Institute); PubMed 32055034 (cited by Women's Health and Genetics/Laboratory Corporation of America, LabCorp and Victorian Clinical Genetics Services, Murdoch Childrens Research Institute); PubMed 22508176 (cited by Women's Health and Genetics/Laboratory Corporation of America, LabCorp and Victorian Clinical Genetics Services, Murdoch Childrens Research Institute); PubMed 26823553 (cited by Women's Health and Genetics/Laboratory Corporation of America, LabCorp and Victorian Clinical Genetics Services, Murdoch Childrens Research Institute); PubMed 39802589 (cited by Victorian Clinical Genetics Services, Murdoch Childrens Research Institute).

NM_001009944.3(PKD1):c.4346ACA[1] (p.Asn1450del)

Gene: PKD1 (polycystin 1, transient receptor potential channel interacting; minus strand). Cytogenetic location: 16p13.3.
Variant type: Microsatellite.
Coding change: c.4346ACA[1] on transcript NM_001009944.3 (MANE Select); one copy of the 3-base unit ACA starting at c.4346; the reference has two copies in a row; one copy, 3 bases deleted; also written c.4349_4351del.
Protein change: p.Asn1450del; deletes asparagine 1450.
Molecular consequence: inframe deletion.
Genome position (GRCh38, 1-based): chr16:2,110,816-2,110,818, TGT deleted on the plus strand (ACA on the coding strand, the reverse complement: PKD1 is on the minus strand); deleting any 3 consecutive bases within chr16:2,110,816-2,110,823 gives the same sequence; the position shown is the placement nearest the transcript's 3' end. VCF-style (leftmost placement, unchanged base first): chr16-2110815-ATGT-A. GRCh37 (hg19) VCF-style: chr16-2160816-ATGT-A.
Other names: c.4346ACA[1], p.Asn1450del (NM_000296.4); c.4349_4351delACA (NM_001009944.2, NM_001009944.3); c.4349_4351del (NM_001009944.3); short protein forms N1450del.
Identifiers: ClinVar variation 917952 (VCV000917952.16), dbSNP rs2092482302, ClinGen allele CA1139664345.